The following is an entry in ClinVar:

NM_001276270.2(MBD4):c.586T>G (p.Ser196Ala)

Gene: MBD4 (methyl-CpG binding domain 4, DNA glycosylase; minus strand). Cytogenetic location: 3q21.3.
Variant type: single nucleotide variant.
Coding change: c.586T>G on transcript NM_001276270.2 (MANE Select); coding-DNA position 586, T replaced by G.
Protein change: p.Ser196Ala; replaces serine 196 with alanine.
Molecular consequence: missense variant. On other transcripts: intron variant (1).
Genome position (GRCh38, 1-based): chr3:129,437,058, A>C on the plus strand (T>G on the coding strand, the complement: MBD4 is on the minus strand). VCF-style: chr3-129437058-A-C. GRCh37 (hg19) VCF-style: chr3-129155901-A-C.
Other names: c.586T>G, p.Ser196Ala (NM_001276271.2, NM_001276272.2, NM_003925.3); c.247+750T>G (NM_001276273.2); short protein forms S196A.
Identifiers: ClinVar variation 3644708 (VCV003644708.3).

ClinVar aggregate classification (germline): Uncertain significance. Review status: criteria provided, multiple submitters, no conflicts (2 of 4 stars). 2 submissions from 2 submitters: Uncertain significance (2). Last evaluated 2025-04-06.

Conditions:
Inborn genetic diseases. Identifiers: MedGen C0950123, MeSH D030342.

Submissions (2):

Ambry Genetics
Classification: Uncertain significance for Inborn genetic diseases. Last evaluated: 2025-04-06. Review status: criteria provided, single submitter. Criteria: Ambry Variant Classification Scheme 2023. Collection method: clinical testing. Allele origin: germline.
Comment: The p.S196A variant (also known as c.586T>G), located in coding exon 3 of the MBD4 gene, results from a T to G substitution at nucleotide position 586. The serine at codon 196 is replaced by alanine, an amino acid with similar properties. This amino acid position is conserved. In addition, this alteration is predicted to be tolerated by in silico analysis. Based on the available evidence, the clinical significance of this variant remains unclear.

Labcorp Genetics (formerly Invitae), Labcorp
Classification: Uncertain significance. Last evaluated: 2024-03-06. Review status: criteria provided, single submitter. Criteria: Invitae Variant Classification Sherloc (09022015). Collection method: clinical testing. Allele origin: germline.
Comment: This sequence change replaces serine, which is neutral and polar, with alanine, which is neutral and non-polar, at codon 196 of the MBD4 protein (p.Ser196Ala). This variant is not present in population databases (gnomAD no frequency). This variant has not been reported in the literature in individuals affected with MBD4-related conditions. An algorithm developed to predict the effect of missense changes on protein structure and function (PolyPhen-2) suggests that this variant is likely to be tolerated. In summary, the available evidence is currently insufficient to determine the role of this variant in disease. Therefore, it has been classified as a Variant of Uncertain Significance.